The following is an entry in ClinVar:

ClinVar aggregate classification (germline): Pathogenic (1 of 4 stars; one submission).

Conditions:
Osteogenesis imperfecta type I (OI1). Also called: Lobstein disease; OI, TYPE I; OSTEOGENESIS IMPERFECTA TARDA; OSTEOGENESIS IMPERFECTA WITH BLUE SCLERAE; Osteogenesis imperfecta type 1; Classic Non-deforming Osteogenesis Imperfecta with Blue Sclerae. Identifiers: Orphanet 216796, Orphanet 666, MedGen C0023931, MONDO:0008146, OMIM 166200. Disease mechanism: loss of function.

Submission:

Labcorp Genetics (formerly Invitae), Labcorp
Classification: Pathogenic for Osteogenesis imperfecta type I. Last evaluated: 2022-04-29. Review status: criteria provided, single submitter. Criteria: Invitae Variant Classification Sherloc (09022015). Collection method: clinical testing. Allele origin: germline.
Comment: For these reasons, this variant has been classified as Pathogenic. This variant has not been reported in the literature in individuals affected with COL1A1-related conditions. This variant is not present in population databases (gnomAD no frequency). This sequence change creates a premature translational stop signal (p.Arg1356Valfs*6) in the COL1A1 gene. It is expected to result in an absent or disrupted protein product. Loss-of-function variants in COL1A1 are known to be pathogenic (PMID: 7942841, 9295084, 9443882).

Literature cited by the submitters: PubMed 7942841; PubMed 9295084; PubMed 9443882.

NM_000088.4(COL1A1):c.4066delinsGTGTCCTGGAAG (p.Arg1356fs)

Gene: COL1A1 (collagen type I alpha 1 chain; minus strand). Cytogenetic location: 17q21.33.
Variant type: Indel.
Coding change: c.4066delinsGTGTCCTGGAAG on transcript NM_000088.4 (MANE Select); coding-DNA position 4066, C replaced by GTGTCCTGGAAG.
Protein change: p.Arg1356fs; shifts the reading frame from arginine 1356.
Molecular consequence: frameshift variant.
Genome position (GRCh38, 1-based): chr17:50,185,960, G replaced by CTTCCAGGACAC on the plus strand (C replaced by GTGTCCTGGAAG on the coding strand, the reverse complement: COL1A1 is on the minus strand). VCF-style: chr17-50185960-G-CTTCCAGGACAC. GRCh37 (hg19) VCF-style: chr17-48263321-G-CTTCCAGGACAC.
Other names: short protein forms R1356fs.
Identifiers: ClinVar variation 2118598 (VCV002118598.4), dbSNP rs2509156967, ClinGen allele CA2580094170.